The following is an entry in ClinVar:

ClinVar aggregate classification (germline): Uncertain significance. Review status: criteria provided, multiple submitters, no conflicts (2 of 4 stars). 3 submissions from 3 submitters: Uncertain significance (3). Last evaluated 2024-03-28.

Conditions:
Classic or attenuated familial adenomatous polyposis. Identifiers: MedGen CN372698, MONDO:0021057.
Hereditary cancer-predisposing syndrome. Also called: Hereditary Cancer Syndrome; Tumor predisposition; Hereditary neoplastic syndrome; Neoplastic Syndromes, Hereditary. Identifiers: Orphanet 140162, MedGen C0027672, MeSH D009386, MONDO:0015356.
Familial adenomatous polyposis 1 (FAP1). Also called: FAMILIAL ADENOMATOUS POLYPOSIS 1, ATTENUATED; POLYPOSIS, ADENOMATOUS INTESTINAL. Identifiers: MedGen C2713442, MONDO:0021056, OMIM 175100. Disease mechanism: loss of function.

Submissions (3):

Ambry Genetics
Classification: Uncertain significance for Hereditary cancer-predisposing syndrome. Last evaluated: 2024-03-28. Review status: criteria provided, single submitter. Criteria: Ambry Variant Classification Scheme 2023. Collection method: clinical testing. Allele origin: germline.
Comment: The p.S2130F variant (also known as c.6389C>T), located in coding exon 15 of the APC gene, results from a C to T substitution at nucleotide position 6389. The serine at codon 2130 is replaced by phenylalanine, an amino acid with highly dissimilar properties. This amino acid position is conserved. In addition, in silico predictors for this gene do not accurately predict pathogenicity. Based on the available evidence, the clinical significance of this alteration remains unclear.

All of Us Research Program, National Institutes of Health
Classification: Uncertain significance for Classic or attenuated familial adenomatous polyposis. Last evaluated: 2023-10-02. Review status: criteria provided, single submitter. Criteria: ACMG Guidelines, 2015. Collection method: clinical testing. Allele origin: germline. Inheritance: Autosomal dominant inheritance. Observed: 1 variant allele, 1 heterozygote.
Comment: This missense variant replaces serine with phenylalanine at codon 2130 of the APC protein. Computational prediction is inconclusive regarding the impact of this variant on protein structure and function (internally defined REVEL score threshold 0.5 < inconclusive < 0.7, PMID: 27666373). To our knowledge, functional studies have not been reported for this variant. This variant has not been reported in individuals affected with APC-related disorders in the literature. This variant has not been identified in the general population by the Genome Aggregation Database (gnomAD). The available evidence is insufficient to determine the role of this variant in disease conclusively. Therefore, this variant is classified as a Variant of Uncertain Significance.

This study involves interpretation of variants in research participants for the purpose of population health screening. Participant phenotype was not available at the time of variant classification. Additional details can be found in publication PMID: 35346344, PMCID: PMC8962531

Labcorp Genetics (formerly Invitae), Labcorp
Classification: Uncertain significance for Familial adenomatous polyposis 1. Last evaluated: 2020-10-20. Review status: criteria provided, single submitter. Criteria: Invitae Variant Classification Sherloc (09022015). Collection method: clinical testing. Allele origin: germline.
Comment: This variant has not been reported in the literature in individuals with APC-related conditions. This variant is not present in population databases (ExAC no frequency). This sequence change replaces serine with phenylalanine at codon 2130 of the APC protein (p.Ser2130Phe). The serine residue is highly conserved and there is a large physicochemical difference between serine and phenylalanine. Algorithms developed to predict the effect of missense changes on protein structure and function are either unavailable or do not agree on the potential impact of this missense change (SIFT: "Tolerated"; PolyPhen-2: "Probably Damaging"; Align-GVGD: "Class C0"). In summary, the available evidence is currently insufficient to determine the role of this variant in disease. Therefore, it has been classified as a Variant of Uncertain Significance.

NM_000038.6(APC):c.6389C>T (p.Ser2130Phe)

Gene: APC (APC regulator of Wnt signaling pathway; plus strand). Cytogenetic location: 5q22.2.
Variant type: single nucleotide variant.
Coding change: c.6389C>T on transcript NM_000038.6 (MANE Select); coding-DNA position 6389, C replaced by T.
Protein change: p.Ser2130Phe; replaces serine 2130 with phenylalanine.
Molecular consequence: missense variant.
Genome position (GRCh38, 1-based): chr5:112,841,983, C>T. VCF-style: chr5-112841983-C-T. GRCh37 (hg19) VCF-style: chr5-112177680-C-T.
Other names: c.6389C>T, p.Ser2130Phe (NM_001127510.3, NM_001354895.2); c.6335C>T, p.Ser2112Phe (NM_001127511.3); c.6443C>T, p.Ser2148Phe (NM_001354896.2); c.6419C>T, p.Ser2140Phe (NM_001354897.2); c.6314C>T, p.Ser2105Phe (NM_001354898.2); c.6305C>T, p.Ser2102Phe (NM_001354899.2); c.6266C>T, p.Ser2089Phe (NM_001354900.2); c.6212C>T, p.Ser2071Phe (NM_001354901.2); and 6 more; short protein forms S2004F, S2071F, S2105F, S2140F, S1970F, S2029F, S2148F, S1847F.
Identifiers: ClinVar variation 1043654 (VCV001043654.12), dbSNP rs1114167591, ClinGen allele CA16035321.